The following is an entry in ClinVar:

ClinVar aggregate classification (germline): Benign (1 of 4 stars; one submission).

Conditions:
Holoprosencephaly 4 (HPE4). Identifiers: Orphanet 2162, MedGen C1840528, MONDO:0007734, OMIM 142946.

Allele frequency attached by ClinVar (database versions not stated): gnomAD 0.01134 and 0.01212; 1000 Genomes Project 30x 0.01390; TOPMed 0.01275; gnomAD exomes 0.00082; 1000 Genomes Project 0.01278.
gnomAD v4.1: 2,417 of 985,552 alleles (0.25%); highest among the groups gnomAD compares: African/African-American, 3.8%; 41 homozygotes.

Submission:

Illumina Laboratory Services, Illumina
Classification: Benign for Holoprosencephaly 4. Last evaluated: 2018-01-13. Review status: criteria provided, single submitter. Criteria: ICSL Variant Classification Criteria 13 December 2019. Collection method: clinical testing. Allele origin: germline.
Comment: This variant was observed in the ICSL laboratory as part of a predisposition screen in an ostensibly healthy population. It had not been previously curated by ICSL or reported in the Human Gene Mutation Database (HGMD: prior to June 1st, 2018), and was therefore a candidate for classification through an automated scoring system. Utilizing variant allele frequency, disease prevalence and penetrance estimates, and inheritance mode, an automated score was calculated to assess if this variant is too frequent to cause the disease. Based on the score and internal cut-off values, a variant classified as benign is not then subjected to further curation. The score for this variant resulted in a classification of benign for this disease.

NM_173208.3(TGIF1):c.-460G>C

Gene: TGIF1 (TGFB induced factor homeobox 1; plus strand). Cytogenetic location: 18p11.31.
Variant type: single nucleotide variant.
Coding change: c.-460G>C on transcript NM_173208.3; 460 bases upstream of the start codon, G replaced by C.
Molecular consequence: 5 prime UTR variant. On other transcripts: intron variant (5).
Genome position (GRCh38, 1-based): chr18:3,449,779, G>C. VCF-style: chr18-3449779-G-C. GRCh37 (hg19) VCF-style: chr18-3449777-G-C.
Other names: c.-457G>C (NM_001278684.2); c.-336G>C (NM_173209.3); c.-44-6575G>C (NM_174886.3, NM_001278686.3); c.58+1982G>C (NM_173207.4); c.-45+1240G>C (NM_001374396.1); c.25+123G>C (NM_001278682.2).
Identifiers: ClinVar variation 889043 (VCV000889043.6), dbSNP rs142599245, ClinGen allele CA295561875.